The following is an entry in ClinVar:

NM_133379.5(TTN):c.14616C>T (p.Ser4872=)

Genes: TTN (titin; minus strand), LOC126806432 (CDK7 strongly-dependent group 2 enhancer GRCh37_chr2:179611985-179613184; plus strand). Cytogenetic location: 2q31.2.
Variant type: single nucleotide variant.
Coding change: c.14616C>T on transcript NM_133379.5; coding-DNA position 14616, C replaced by T.
Protein change: p.Ser4872=; no amino-acid change (serine 4872 retained).
Molecular consequence: synonymous variant. On other transcripts: intron variant (6).
Genome position (GRCh38, 1-based): chr2:178,747,784, G>A on the plus strand (C>T on the coding strand, the complement: TTN is on the minus strand). VCF-style: chr2-178747784-G-A. GRCh37 (hg19) VCF-style: chr2-179612511-G-A.
Other names: p.S4872S:TCC>TCT; c.10597+5340C>T (NM_133432.3); c.10360+5340C>T (NM_001256850.1, NM_133378.4); c.10222+5340C>T (NM_003319.4); c.10798+5340C>T (NM_133437.4); c.11311+5340C>T (NM_001267550.2); c.14616C>T (NM_133379.4).
Identifiers: ClinVar variation 202291 (VCV000202291.53), dbSNP rs148105798, ClinGen allele CA308987.

ClinVar aggregate classification (germline): Benign/Likely benign. Review status: criteria provided, multiple submitters, no conflicts (2 of 4 stars). 11 submissions from 11 submitters: Benign (1); Likely benign (6). 4 of the submissions do not count toward it. Last evaluated 2026-08-01.

Conditions:
TTN-related disorder. Also called: TTN-related disorders; TTN-related condition; TTN-related disease.

Allele frequency attached by ClinVar (database versions not stated): ExAC 0.00029; 1000 Genomes Project 30x 0.00031; ESP Exome Variant Server 0.00031; gnomAD exomes 0.00031 and 0.00051; 1000 Genomes Project 0.00040; gnomAD 0.00040 and 0.00042; TOPMed 0.00040.
gnomAD v4.1: 796 of 1,612,108 alleles (0.049%); highest among the groups gnomAD compares: Non-Finnish European, 0.064%; 2 homozygotes.

Submissions (11):

CeGaT Center for Human Genetics Tuebingen
Classification: Likely benign. Last evaluated: 2026-08-01. Review status: criteria provided, single submitter. Criteria: CeGaT Center For Human Genetics Tuebingen Variant Classification Criteria Version 2. Collection method: clinical testing. Allele origin: germline. Affected: yes. Observed: 10 variant alleles.
Comment: TTN: BP4, BP7

Molecular Diagnostic Laboratory for Inherited Cardiovascular Disease, Montreal Heart Institute
Classification: Likely benign. Last evaluated: 2025-04-09. Review status: criteria provided, single submitter. Criteria: ACMG Guidelines, 2015. Collection method: clinical testing. Allele origin: germline. Affected: no.
Comment: BP7

Blueprint Genetics
Classification: Likely benign. Last evaluated: 2024-11-18. Review status: criteria provided, single submitter. Criteria: ACMG Guidelines, 2015. Collection method: clinical testing. Allele origin: germline.

ARUP Laboratories, Molecular Genetics and Genomics, ARUP Laboratories
Classification: Likely benign. Last evaluated: 2023-12-19. Review status: criteria provided, single submitter. Criteria: ARUP Molecular Germline Variant Investigation Process 2024. Collection method: clinical testing. Allele origin: germline.

GeneDx
Classification: Benign. Last evaluated: 2014-10-14. Review status: criteria provided, single submitter. Criteria: GeneDx Variant Classification (06012015). Collection method: clinical testing. Allele origin: germline. Affected: yes.
Comment: This variant is considered likely benign or benign based on one or more of the following criteria: it is a conservative change, it occurs at a poorly conserved position in the protein, it is predicted to be benign by multiple in silico algorithms, and/or has population frequency not consistent with disease.

Laboratory for Molecular Medicine, Mass General Brigham Personalized Medicine
Classification: Likely benign. Last evaluated: 2012-03-19. Review status: criteria provided, single submitter. Criteria: LMM Criteria. Collection method: clinical testing. Allele origin: germline. Observed: 1 variant allele.
Comment: p.Ser4872Ser in Exon 45A of TTN: This variant is not expected to have clinical s ignificance because it does not alter an amino acid residue, is not located with in the splice consensus sequence. It has been identified in 3/7018 European Amer ican chromosomes from a broad population by the NHLBI Exome Sequencing Project (dbSNP rs148105798).

Breakthrough Genomics
Classification: Likely benign. Review status: criteria provided, single submitter. Criteria: ACMG Guidelines, 2015. Collection method: not provided. Allele origin: germline. Inheritance: Autosomal recessive inheritance. Affected: yes.

PreventionGenetics, part of Exact Sciences
Classification: Likely benign for TTN-related condition. Last evaluated: 2019-10-30. Review status: no assertion criteria provided. Collection method: clinical testing. Allele origin: germline. Not counted in ClinVar's aggregate classification.
Comment: This variant is classified as likely benign based on ACMG/AMP sequence variant interpretation guidelines (Richards et al. 2015 PMID: 25741868, with internal and published modifications).

Clinical Genetics, Academic Medical Center
Classification: Benign. Review status: no assertion criteria provided. Collection method: clinical testing. Allele origin: germline. Affected: yes. Study: VKGL Data-share Consensus. Not counted in ClinVar's aggregate classification.

Diagnostic Laboratory, Department of Genetics, University Medical Center Groningen
Classification: Likely benign. Review status: no assertion criteria provided. Collection method: clinical testing. Allele origin: germline. Affected: yes. Study: VKGL Data-share Consensus. Not counted in ClinVar's aggregate classification.

Joint Genome Diagnostic Labs from Nijmegen and Maastricht, Radboudumc and MUMC+
Classification: Benign. Review status: no assertion criteria provided. Collection method: clinical testing. Allele origin: germline. Affected: yes. Study: VKGL Data-share Consensus. Not counted in ClinVar's aggregate classification.